The following is an entry in ClinVar:

ClinVar aggregate classification (germline): Uncertain significance (1 of 4 stars; one submission).

Conditions:
Zellweger spectrum disorders (ZS). Also called: Zellweger Spectrum Disorder; Zellweger Spectrum; Zellweger syndrome; Zellweger Spectrum Disorder (ZSD). Identifiers: Orphanet 912, MedGen C0043459, MONDO:0019609.

Allele frequency attached by ClinVar (database versions not stated): gnomAD exomes below 0.00001; gnomAD 0.00001; TOPMed 0.00001.
gnomAD v4.1: 5 of 1,613,816 alleles (0.00031%); highest among the groups gnomAD compares: Middle Eastern, 0.016%; no homozygotes.

Submission:

Labcorp Genetics (formerly Invitae), Labcorp
Classification: Uncertain significance for Zellweger spectrum disorders. Last evaluated: 2022-07-28. Review status: criteria provided, single submitter. Criteria: Invitae Variant Classification Sherloc (09022015). Collection method: clinical testing. Allele origin: germline.
Comment: This variant is present in population databases (no rsID available, gnomAD 0.007%). In summary, the available evidence is currently insufficient to determine the role of this variant in disease. Therefore, it has been classified as a Variant of Uncertain Significance. Algorithms developed to predict the effect of missense changes on protein structure and function are either unavailable or do not agree on the potential impact of this missense change (SIFT: "Deleterious"; PolyPhen-2: "Probably Damaging"; Align-GVGD: "Class C0"). This variant has not been reported in the literature in individuals affected with PEX1-related conditions. This sequence change replaces aspartic acid, which is acidic and polar, with asparagine, which is neutral and polar, at codon 1094 of the PEX1 protein (p.Asp1094Asn).

NM_000466.3(PEX1):c.3280G>A (p.Asp1094Asn)

Genes: PEX1 (peroxisomal biogenesis factor 1; minus strand), GATAD1 (GATA zinc finger domain containing 1; plus strand). Cytogenetic location: 7q21.2.
Variant type: single nucleotide variant.
Coding change: c.3280G>A on transcript NM_000466.3 (MANE Select); coding-DNA position 3280, G replaced by A.
Protein change: p.Asp1094Asn; replaces aspartic acid 1094 with asparagine.
Molecular consequence: missense variant.
Genome position (GRCh38, 1-based): chr7:92,491,430, C>T on the plus strand (G>A on the coding strand, the complement: PEX1 is on the minus strand). VCF-style: chr7-92491430-C-T. GRCh37 (hg19) VCF-style: chr7-92120744-C-T.
Other names: c.3109G>A, p.Asp1037Asn (NM_001282677.2); c.2656G>A, p.Asp886Asn (NM_001282678.2); short protein forms D1094N, D1037N, D886N.
Identifiers: ClinVar variation 2192383 (VCV002192383.4), dbSNP rs1053411287, ClinGen allele CA161953179.